The following is an entry in ClinVar:

ClinVar aggregate classification (germline): Uncertain significance. Review status: criteria provided, multiple submitters, no conflicts (2 of 4 stars). 2 submissions from 2 submitters: Uncertain significance (2). Last evaluated 2026-07-29.

Conditions:
Progressive sclerosing poliodystrophy (MTDPS4A). Also called: Mitochondrial DNA Depletion Syndrome 4A; Alpers-Huttenlocher Syndrome (AHS); ALPERS PROGRESSIVE INFANTILE POLIODYSTROPHY; NEURONAL DEGENERATION OF CHILDHOOD WITH LIVER DISEASE, PROGRESSIVE; Alpers Syndrome; ALPERS DIFFUSE DEGENERATION OF CEREBRAL GRAY MATTER WITH HEPATIC CIRRHOSIS. Identifiers: Orphanet 726, MedGen C0205710, MONDO:0008758, OMIM 203700.
Inborn genetic diseases. Identifiers: MedGen C0950123, MeSH D030342.

gnomAD v4.1: 1 of 1,613,862 alleles (0.000062%); highest among the groups gnomAD compares: Admixed American, 0.0017%; no homozygotes.

Submissions (2):

Ambry Genetics
Classification: Uncertain significance for Inborn genetic diseases. Last evaluated: 2026-07-29. Review status: criteria provided, single submitter. Criteria: Ambry Variant Classification Scheme 2023. Collection method: clinical testing. Allele origin: germline.

Labcorp Genetics (formerly Invitae), Labcorp
Classification: Uncertain significance for Progressive sclerosing poliodystrophy. Last evaluated: 2024-12-31. Review status: criteria provided, single submitter. Criteria: Invitae Variant Classification Sherloc (09022015). Collection method: clinical testing. Allele origin: germline.
Comment: This sequence change replaces phenylalanine, which is neutral and non-polar, with cysteine, which is neutral and slightly polar, at codon 407 of the POLG protein (p.Phe407Cys). This variant is present in population databases (rs749715845, gnomAD 0.003%). This variant has not been reported in the literature in individuals affected with POLG-related conditions. Invitae Evidence Modeling of protein sequence and biophysical properties (such as structural, functional, and spatial information, amino acid conservation, physicochemical variation, residue mobility, and thermodynamic stability) has been performed for this missense variant. However, the output from this modeling did not meet the statistical confidence thresholds required to predict the impact of this variant on POLG protein function. In summary, the available evidence is currently insufficient to determine the role of this variant in disease. Therefore, it has been classified as a Variant of Uncertain Significance.

NM_002693.3(POLG):c.1220T>G (p.Phe407Cys)

Gene: POLG (DNA polymerase gamma, catalytic subunit; minus strand). Cytogenetic location: 15q26.1.
Variant type: single nucleotide variant.
Coding change: c.1220T>G on transcript NM_002693.3 (MANE Select); coding-DNA position 1220, T replaced by G.
Protein change: p.Phe407Cys; replaces phenylalanine 407 with cysteine.
Molecular consequence: missense variant.
Genome position (GRCh38, 1-based): chr15:89,328,486, A>C on the plus strand (T>G on the coding strand, the complement: POLG is on the minus strand). VCF-style: chr15-89328486-A-C. GRCh37 (hg19) VCF-style: chr15-89871717-A-C.
Other names: c.1220T>G, p.Phe407Cys (NM_001126131.2); short protein forms F407C.
Identifiers: ClinVar variation 3614450 (VCV003614450.3).
Genomic context (GRCh38, chr15:89,328,486, plus strand): 5'-CCAGAGATTCCCACATGGGCTCCCCCTCACCTCTCCAAGAAGAGCGGTAGCTGCTGCTGG[A>C]AAACCTCATGGGTGGCCCACACGTCCTGGGCACAGTACTGCATCAGGTCCTGGCACAAGG-3'
Protein context (NP_002684.1, residues 397-417): AQDVWATHEV[Phe407Cys]QQQLPLFLER